The following is an entry in ClinVar:

ClinVar aggregate classification (germline): Uncertain significance (0 of 4 stars; one submission).

Conditions:
BBS9-related disorder. Also called: BBS9-related condition.

Submission:

PreventionGenetics, part of Exact Sciences
Classification: Uncertain significance for BBS9-related condition. Last evaluated: 2024-05-10. Review status: no assertion criteria provided. Collection method: clinical testing. Allele origin: germline.
Comment: The BBS9 c.1227T>A variant is predicted to result in the amino acid substitution p.Asp409Glu. This variant was reported as a heterozygous variant of uncertain significance in an individual with a clinical diagnosis of Bardet-Biedl syndrome; however, no second variant in BBS9 was identified (Zacchia et al. 2021. PubMed ID: 33964006). This variant is reported in 0.0026% of alleles in individuals of European (Non-Finnish) descent in gnomAD. At this time, the clinical significance of this variant is uncertain due to the absence of conclusive functional and genetic evidence.

NM_198428.3(BBS9):c.1227T>A (p.Asp409Glu)

Gene: BBS9 (Bardet-Biedl syndrome 9; plus strand). Cytogenetic location: 7p14.3.
Variant type: single nucleotide variant.
Coding change: c.1227T>A on transcript NM_198428.3 (MANE Select); coding-DNA position 1227, T replaced by A.
Protein change: p.Asp409Glu; replaces aspartic acid 409 with glutamic acid.
Molecular consequence: missense variant. On other transcripts: non-coding transcript variant (3).
Genome position (GRCh38, 1-based): chr7:33,340,925, T>A. VCF-style: chr7-33340925-T-A. GRCh37 (hg19) VCF-style: chr7-33380537-T-A.
Other names: c.1227T>A, p.Asp409Glu (NM_001033604.2, NM_001033605.2, NM_001348036.1 and 5 more transcripts); c.861T>A, p.Asp287Glu (NM_001348037.3, NM_001348044.3, NM_001348045.3 and 1 more transcripts); c.954T>A, p.Asp318Glu (NM_001348038.3, NM_001348039.3); c.1092T>A, p.Asp364Glu (NM_001348042.3); short protein forms D287E, D318E, D364E, D409E.
Identifiers: ClinVar variation 3349326 (VCV003349326.1).